The following is an entry in ClinVar:

ClinVar aggregate classification (germline): Pathogenic (1 of 4 stars; one submission).

Conditions:
Hereditary cancer-predisposing syndrome. Also called: Tumor predisposition; Hereditary neoplastic syndrome; Hereditary Cancer Syndrome; Neoplastic Syndromes, Hereditary. Identifiers: Orphanet 140162, MedGen C0027672, MeSH D009386, MONDO:0015356.

Submission:

Ambry Genetics
Classification: Pathogenic for Hereditary cancer-predisposing syndrome. Last evaluated: 2025-05-08. Review status: criteria provided, single submitter. Criteria: Ambry Variant Classification Scheme 2023. Collection method: clinical testing. Allele origin: germline.
Comment: The p.E328* pathogenic mutation (also known as c.982G>T), located in coding exon 8 of the SDHA gene, results from a G to T substitution at nucleotide position 982. This changes the amino acid from a glutamic acid to a stop codon within coding exon 8. This variant is considered to be rare based on population cohorts in the Genome Aggregation Database (gnomAD). This alteration is expected to result in loss of function by premature protein truncation or nonsense-mediated mRNA decay. As such, this alteration is interpreted as a disease-causing mutation.

NM_004168.4(SDHA):c.982G>T (p.Glu328Ter)

Gene: SDHA (succinate dehydrogenase complex flavoprotein subunit A; plus strand). Cytogenetic location: 5p15.33.
Variant type: single nucleotide variant.
Coding change: c.982G>T on transcript NM_004168.4 (MANE Select); coding-DNA position 982, G replaced by T.
Protein change: p.Glu328Ter; replaces glutamic acid 328 with a stop codon.
Molecular consequence: nonsense.
Genome position (GRCh38, 1-based): chr5:233,563, G>T. VCF-style: chr5-233563-G-T. GRCh37 (hg19) VCF-style: chr5-233678-G-T.
Other names: c.838G>T, p.Glu280Ter (NM_001294332.2); c.982G>T, p.Glu328Ter (NM_001330758.2); short protein forms E328*, E280*.
Identifiers: ClinVar variation 3951342 (VCV003951342.1).